The following is an entry in ClinVar:

NM_001267550.2(TTN):c.30826T>G (p.Ser10276Ala)

Gene: TTN (titin; minus strand). Cytogenetic location: 2q31.2.
Variant type: single nucleotide variant.
Coding change: c.30826T>G on transcript NM_001267550.2 (MANE Select); coding-DNA position 30826, T replaced by G.
Protein change: p.Ser10276Ala; replaces serine 10276 with alanine.
Molecular consequence: missense variant. On other transcripts: intron variant (3).
Genome position (GRCh38, 1-based): chr2:178,696,246, A>C on the plus strand (T>G on the coding strand, the complement: TTN is on the minus strand). VCF-style: chr2-178696246-A-C. GRCh37 (hg19) VCF-style: chr2-179560973-A-C.
Other names: c.29875T>G, p.Ser9959Ala (NM_001256850.1); c.27094T>G, p.Ser9032Ala (NM_133378.4); c.13282+41836T>G (NM_003319.4); c.13858+41836T>G (NM_133437.4); c.13657+41836T>G (NM_133432.3); short protein forms S10276A, S9032A, S9959A.
Identifiers: ClinVar variation 1328195 (VCV001328195.8), dbSNP rs778063825, ClinGen allele CA60992299.

ClinVar aggregate classification (germline): Conflicting classifications of pathogenicity. Review status: criteria provided, conflicting classifications (1 of 4 stars). 7 submissions from 7 submitters: Uncertain significance (4); Likely benign (1). 2 of the submissions do not count toward it. Last evaluated 2026-06-24.

Conditions:
Dilated cardiomyopathy 1G (CMD1G). Identifiers: Orphanet 154, MedGen C1858763, MONDO:0011400, OMIM 604145.
Hypertrophic cardiomyopathy 9. Also called: Familial hypertrophic cardiomyopathy 9. Identifiers: MedGen C1861065, MONDO:0013412, OMIM 613765.
Early-onset myopathy with fatal cardiomyopathy (CMYO5). Also called: Salih Myopathy; CONGENITAL MYOPATHY 5 WITH CARDIOMYOPATHY. Identifiers: Orphanet 289377, MedGen C2673677, MONDO:0012714, OMIM 611705. Disease mechanism: loss of function.
Tibial muscular dystrophy (TMD). Also called: UDD MYOPATHY; Tibial muscular dystrophy, tardive; Udd Distal Myopathy – Tibial Muscular Dystrophy. Identifiers: Orphanet 609, MedGen C1838244, MONDO:0010870, OMIM 600334.
Autosomal recessive limb-girdle muscular dystrophy type 2J (LGMDR10). Also called: Limb-girdle muscular dystrophy, type 2J; MUSCULAR DYSTROPHY, LIMB-GIRDLE, AUTOSOMAL RECESSIVE 10. Identifiers: Orphanet 140922, MedGen C1837342, MONDO:0012127, OMIM 608807.
Myopathy, myofibrillar, 9, with early respiratory failure (MFM9). Also called: Hereditary myopathy with early respiratory failure; EDSTROM MYOPATHY; MYOPATHY, PROXIMAL, WITH EARLY RESPIRATORY MUSCLE INVOLVEMENT; Myopathy, distal, with early respiratory failure, autosomal dominant. Identifiers: Orphanet 178464, Orphanet 34521, MedGen C1863599, MONDO:0011362, OMIM 603689.
TTN-related disorder. Also called: TTN-related disorders; TTN-related condition; TTN-related disease.

Allele frequency attached by ClinVar (database versions not stated): gnomAD 0.00004; TOPMed 0.00004; gnomAD exomes 0.00005 and 0.00007.
gnomAD v4.1: 97 of 1,550,486 alleles (0.0063%); highest among the groups gnomAD compares: Non-Finnish European, 0.0083%; no homozygotes.

Submissions (7):

PreventionGenetics, part of Exact Sciences
Classification: Uncertain significance for TTN-related condition. Last evaluated: 2026-06-24. Review status: criteria provided, single submitter. Criteria: ACMG Guidelines, 2015. Collection method: clinical testing. Allele origin: germline.
Comment: The TTN c.30826T>G variant is predicted to result in the amino acid substitution p.Ser10276Ala. To our knowledge, this variant has not been reported in the literature. This variant is reported in 0.012% of alleles in individuals of European (Non-Finnish) descent in gnomAD. At this time, the clinical significance of this variant is uncertain due to the absence of conclusive functional and genetic evidence.

Women's Health and Genetics/Laboratory Corporation of America, LabCorp
Classification: Uncertain significance. Last evaluated: 2023-08-19. Review status: criteria provided, single submitter. Criteria: LabCorp Variant Classification Summary - May 2015. Collection method: clinical testing. Allele origin: germline.

Blueprint Genetics
Classification: Likely benign. Last evaluated: 2023-01-20. Review status: criteria provided, single submitter. Criteria: ACMG Guidelines, 2015. Collection method: clinical testing. Allele origin: germline.

Fulgent Genetics
Classification: Uncertain significance for Tibial muscular dystrophy; Myopathy, myofibrillar, 9, with early respiratory failure; Dilated cardiomyopathy 1G; Autosomal recessive limb-girdle muscular dystrophy type 2J; Early-onset myopathy with fatal cardiomyopathy; Hypertrophic cardiomyopathy 9. Last evaluated: 2022-04-08. Review status: criteria provided, single submitter. Criteria: ACMG Guidelines, 2015. Collection method: clinical testing. Allele origin: unknown.

Revvity Omics, Revvity
Classification: Uncertain significance. Last evaluated: 2020-12-28. Review status: criteria provided, single submitter. Criteria: ACMG Guidelines, 2015. Collection method: clinical testing. Allele origin: germline.

Diagnostic Laboratory, Department of Genetics, University Medical Center Groningen
Classification: Uncertain significance. Review status: no assertion criteria provided. Collection method: clinical testing. Allele origin: germline. Affected: yes. Study: VKGL Data-share Consensus. Not counted in ClinVar's aggregate classification.

Laboratory of Diagnostic Genome Analysis, Leiden University Medical Center (LUMC)
Classification: Uncertain significance. Review status: no assertion criteria provided. Collection method: clinical testing. Allele origin: germline. Affected: yes. Study: VKGL Data-share Consensus. Not counted in ClinVar's aggregate classification.